The following is an entry in ClinVar:

NM_022765.4(MICAL1):c.2798G>A (p.Arg933Gln)

Gene: MICAL1 (microtubule associated monooxygenase, calponin and LIM domain containing 1; minus strand). Cytogenetic location: 6q21.
Variant type: single nucleotide variant.
Coding change: c.2798G>A on transcript NM_022765.4 (MANE Select); coding-DNA position 2798, G replaced by A.
Protein change: p.Arg933Gln; replaces arginine 933 with glutamine.
Molecular consequence: missense variant.
Genome position (GRCh38, 1-based): chr6:109,445,280, C>T on the plus strand (G>A on the coding strand, the complement: MICAL1 is on the minus strand). VCF-style: chr6-109445280-C-T. GRCh37 (hg19) VCF-style: chr6-109766483-C-T.
Other names: c.2540G>A, p.Arg847Gln (NM_001159291.2); c.2855G>A, p.Arg952Gln (NM_001286613.2); c.2798G>A (NM_022765.3); short protein forms R952Q, R847Q, R933Q.
Identifiers: ClinVar variation 2083061 (VCV002083061.5), dbSNP rs764211710, ClinGen allele CA3952742.

ClinVar aggregate classification (germline): Uncertain significance. Review status: criteria provided, multiple submitters, no conflicts (2 of 4 stars). 2 submissions from 2 submitters: Uncertain significance (2). Last evaluated 2025-05-18.

Allele frequency attached by ClinVar (database versions not stated): ExAC 0.00002; gnomAD exomes 0.00002; gnomAD 0.00003; TOPMed 0.00004.

Submissions (2):

Ambry Genetics
Classification: Uncertain significance. Last evaluated: 2025-05-18. Review status: criteria provided, single submitter. Criteria: Ambry Variant Classification Scheme 2023. Collection method: clinical testing. Allele origin: germline.

Labcorp Genetics (formerly Invitae), Labcorp
Classification: Uncertain significance. Last evaluated: 2024-12-02. Review status: criteria provided, single submitter. Criteria: Invitae Variant Classification Sherloc (09022015). Collection method: clinical testing. Allele origin: germline.
Comment: This sequence change replaces arginine, which is basic and polar, with glutamine, which is neutral and polar, at codon 952 of the MICAL1 protein (p.Arg952Gln). This variant is present in population databases (rs764211710, gnomAD 0.009%). This variant has not been reported in the literature in individuals affected with MICAL1-related conditions. ClinVar contains an entry for this variant (Variation ID: 2083061). An algorithm developed to predict the effect of missense changes on protein structure and function (PolyPhen-2) suggests that this variant is likely to be disruptive. In summary, the available evidence is currently insufficient to determine the role of this variant in disease. Therefore, it has been classified as a Variant of Uncertain Significance.